The following is an entry in ClinVar:

ClinVar aggregate classification (germline): Uncertain significance (1 of 4 stars; one submission).

Conditions:
Cardiovascular phenotype. Identifiers: MedGen CN230736.

Submission:

Molecular Diagnostic Laboratory for Inherited Cardiovascular Disease, Montreal Heart Institute
Classification: Uncertain significance for Cardiovascular phenotype. Last evaluated: 2025-07-24. Review status: criteria provided, single submitter. Criteria: ACMG Guidelines, 2015. Collection method: clinical testing. Allele origin: germline. Affected: yes.
Comment: PM2

NM_003238.6(TGFB2):c.94T>A (p.Phe32Ile)

Gene: TGFB2 (transforming growth factor beta 2; plus strand). Cytogenetic location: 1q41.
Variant type: single nucleotide variant.
Coding change: c.94T>A on transcript NM_003238.6 (MANE Select); coding-DNA position 94, T replaced by A.
Protein change: p.Phe32Ile; replaces phenylalanine 32 with isoleucine.
Molecular consequence: missense variant. On other transcripts: non-coding transcript variant (2).
Genome position (GRCh38, 1-based): chr1:218,346,795, T>A. VCF-style: chr1-218346795-T-A. GRCh37 (hg19) VCF-style: chr1-218520137-T-A.
Other names: c.94T>A, p.Phe32Ile (NM_001135599.4); short protein forms F32I.
Identifiers: ClinVar variation 4076483 (VCV004076483.1).